The following is an entry in ClinVar:

NM_002230.4(JUP):c.2047-14C>G

Gene: JUP (junction plakoglobin; minus strand). Cytogenetic location: 17q21.2.
Variant type: single nucleotide variant.
Coding change: c.2047-14C>G on transcript NM_002230.4 (MANE Select); 14 bases into the intron before coding-DNA position 2047, C replaced by G.
Molecular consequence: intron variant.
Genome position (GRCh38, 1-based): chr17:41,756,228, G>C on the plus strand (C>G on the coding strand, the complement: JUP is on the minus strand). VCF-style: chr17-41756228-G-C. GRCh37 (hg19) VCF-style: chr17-39912480-G-C.
Other names: c.2047-14C>G (NM_001352774.2, NM_021991.4, NM_001352776.2 and 3 more transcripts).
Identifiers: ClinVar variation 45843 (VCV000045843.29), dbSNP rs116666639, ClinGen allele CA137172.
Genomic context (GRCh38, chr17:41,756,228, plus strand): 5'-CACTTACCATCTCCATAGGGCTCATTGATGGGAATCATGCTCTGGGCCTGAAAAAGGAGA[G>C]AGAAACATGGAGGGGAGGTTTGAAAATGCAGGCTCCGAGCTGGATCTCAGCTGGTGGGCA-3'

ClinVar aggregate classification (germline): Conflicting classifications of pathogenicity. Review status: criteria provided, conflicting classifications (1 of 4 stars). 10 submissions from 9 submitters: Uncertain significance (1); Benign (6); Likely benign (1). 2 of the submissions do not count toward it. Last evaluated 2026-02-03.

Conditions:
Naxos disease (NXD). Also called: PALMOPLANTAR KERATODERMA WITH ARRHYTHMOGENIC RIGHT VENTRICULAR CARDIOMYOPATHY AND WOOLLY HAIR; WOOLLY HAIR, PALMOPLANTAR KERATODERMA, AND CARDIAC ABNORMALITIES; CARDIOMYOPATHY, ARRHYTHMOGENIC RIGHT VENTRICULAR, WITH SKIN, HAIR, AND NAIL ABNORMALITIES; KERATOSIS PALMOPLANTARIS WITH ARRHYTHMOGENIC CARDIOMYOPATHY; MAL DE NAXOS. Identifiers: Orphanet 34217, MedGen C1832600, MONDO:0011017, OMIM 601214.
Arrhythmogenic right ventricular dysplasia 12. Also called: ARRHYTHMOGENIC RIGHT VENTRICULAR DYSPLASIA, FAMILIAL, 12. Identifiers: MedGen C1969081, MONDO:0012684, OMIM 611528.

Allele frequency attached by ClinVar (database versions not stated): 1000 Genomes Project 30x 0.00562; 1000 Genomes Project 0.00519; ESP Exome Variant Server 0.00884; gnomAD 0.00819; TOPMed 0.00825; gnomAD exomes 0.00189; ExAC 0.00248.
gnomAD v4.1: 2,211 of 1,613,296 alleles (0.14%); highest among the groups gnomAD compares: African/African-American, 2.6%; 33 homozygotes.

Submissions (14):

Labcorp Genetics (formerly Invitae), Labcorp
Classification: Benign for Arrhythmogenic right ventricular dysplasia 12; Naxos disease. Last evaluated: 2026-02-03. Review status: criteria provided, single submitter. Criteria: Invitae Variant Classification Sherloc (09022015). Collection method: clinical testing. Allele origin: germline.

ARUP Laboratories, Molecular Genetics and Genomics, ARUP Laboratories
Classification: Benign. Last evaluated: 2021-05-22. Review status: criteria provided, single submitter. Criteria: ARUP Molecular Germline Variant Investigation Process 2021. Collection method: clinical testing. Allele origin: germline.

Women's Health and Genetics/Laboratory Corporation of America, LabCorp
Classification: Benign. Last evaluated: 2020-08-31. Review status: criteria provided, single submitter. Criteria: LabCorp Variant Classification Summary - May 2015. Collection method: clinical testing. Allele origin: germline.
Comment: Variant summary: JUP c.2047-14C>G alters a non-conserved nucleotide located close to a canonical splice site and therefore could affect mRNA splicing, leading to a significantly altered protein sequence. 4/4 computational tools predict no significant impact on normal splicing. However, these predictions have yet to be confirmed by functional studies. The variant allele was found at a frequency of 0.0019 in 250534 control chromosomes in the gnomAD database, including 3 homozygotes. The observed variant frequency is approximately 302 fold of the estimated maximal expected allele frequency for a pathogenic variant in JUP causing Arrhythmogenic Right Ventricular Dysplasia/Cardiomyopathy phenotype (6.3e-06), strongly suggesting that the variant is benign. Two clinical diagnostic laboratories have submitted clinical-significance assessments for this variant to ClinVar after 2014 without evidence for independent evaluation. One laboratory classified the variant as likely benign, and one laboratory classified the variant as uncertain significance. Based on the evidence outlined above, the variant was classified as benign.

Illumina Laboratory Services, Illumina
Classification: Likely benign for Arrhythmogenic right ventricular dysplasia 12. Last evaluated: 2018-01-12. Review status: criteria provided, single submitter. Criteria: ICSL Variant Classification Criteria 13 December 2019. Collection method: clinical testing. Allele origin: germline.
Comment: This variant was observed in the ICSL laboratory as part of a predisposition screen in an ostensibly healthy population. It had not been previously curated by ICSL or reported in the Human Gene Mutation Database (HGMD: prior to June 1st, 2018), and was therefore a candidate for classification through an automated scoring system. Utilizing variant allele frequency, disease prevalence and penetrance estimates, and inheritance mode, an automated score was calculated to assess if this variant is too frequent to cause the disease. Based on the score and internal cut-off values, a variant classified as likely benign is not then subjected to further curation. The score for this variant resulted in a classification of likely benign for this disease.

Illumina Laboratory Services, Illumina
Classification: Uncertain significance for Naxos disease. Last evaluated: 2018-01-12. Review status: criteria provided, single submitter. Criteria: ICSL Variant Classification Criteria 13 December 2019. Collection method: clinical testing. Allele origin: germline.

GeneDx
Classification: Benign. Last evaluated: 2014-03-13. Review status: criteria provided, single submitter. Criteria: GeneDx Variant Classification (06012015). Collection method: clinical testing. Allele origin: germline. Affected: yes.
Comment: This variant is considered likely benign or benign based on one or more of the following criteria: it is a conservative change, it occurs at a poorly conserved position in the protein, it is predicted to be benign by multiple in silico algorithms, and/or has population frequency not consistent with disease.

Laboratory for Molecular Medicine, Mass General Brigham Personalized Medicine
Classification: Benign. Last evaluated: 2012-04-13. Review status: criteria provided, single submitter. Criteria: LMM Criteria. Collection method: clinical testing. Allele origin: germline. Observed: 15 variant alleles.
Comment: 2047-14C>G in Intron 12 of JUP: This variant is not expected to have clinical si gnificance because it has been identified in 2.6% (99/3738) of African American chromosomes from a broad population by the NHLBI Exome Sequencing Project (dbSNP rs116666639).

PreventionGenetics, part of Exact Sciences
Classification: Benign. Review status: criteria provided, single submitter. Criteria: ACMG Guidelines, 2015. Collection method: clinical testing. Allele origin: germline.

Clinical Genetics DNA and cytogenetics Diagnostics Lab, Erasmus MC, Erasmus Medical Center
Classification: Benign. Review status: no assertion criteria provided. Collection method: clinical testing. Allele origin: germline. Affected: yes. Study: VKGL Data-share Consensus. Not counted in ClinVar's aggregate classification.

Clinical Genetics, Academic Medical Center
Classification: Benign. Review status: no assertion criteria provided. Collection method: clinical testing. Allele origin: germline. Affected: yes. Study: VKGL Data-share Consensus. Not counted in ClinVar's aggregate classification.

Dr. Peter K. Rogan Lab, Western University
No classification provided (evidence only). Condition: Lung cancer. Review status: no classification provided. Collection method: in vitro. Allele origin: not applicable. Functional consequence: retained intron. Not counted in ClinVar's aggregate classification.

Dr. Peter K. Rogan Lab, Western University
No classification provided (evidence only). Condition: Uterine corpus endometrial carcinoma. Review status: no classification provided. Collection method: in vitro. Allele origin: not applicable. Functional consequence: retained intron. Not counted in ClinVar's aggregate classification.

Dr. Peter K. Rogan Lab, Western University
No classification provided (evidence only). Condition: Cervical cancer. Review status: no classification provided. Collection method: in vitro. Allele origin: not applicable. Functional consequence: retained intron. Not counted in ClinVar's aggregate classification.

Dr. Peter K. Rogan Lab, Western University
No classification provided (evidence only). Condition: Cervical cancer. Review status: no classification provided. Collection method: in vitro. Allele origin: not applicable. Functional consequence: retained intron. Not counted in ClinVar's aggregate classification.